The following is an entry in ClinVar:

NM_001165963.4(SCN1A):c.4267C>G (p.Leu1423Val)

Genes: SCN1A (sodium voltage-gated channel alpha subunit 1; minus strand), LOC102724058 (uncharacterized LOC102724058; plus strand). Cytogenetic location: 2q24.3.
Variant type: single nucleotide variant.
Coding change: c.4267C>G on transcript NM_001165963.4 (MANE Select); coding-DNA position 4267, C replaced by G.
Protein change: p.Leu1423Val; replaces leucine 1423 with valine.
Molecular consequence: missense variant. On other transcripts: non-coding transcript variant (1).
Genome position (GRCh38, 1-based): chr2:166,002,489, G>C on the plus strand (C>G on the coding strand, the complement: SCN1A is on the minus strand). VCF-style: chr2-166002489-G-C. GRCh37 (hg19) VCF-style: chr2-166858999-G-C.
Other names: c.4183C>G, p.Leu1395Val (NM_001165964.3, NM_001353957.2, NM_001353958.2); c.4267C>G, p.Leu1423Val (NM_001202435.3, NM_001353948.2); c.4234C>G, p.Leu1412Val (NM_001353949.2, NM_001353950.2, NM_001353951.2 and 2 more transcripts); c.4231C>G, p.Leu1411Val (NM_001353954.2, NM_001353955.2); c.4180C>G, p.Leu1394Val (NM_001353960.2); c.1825C>G, p.Leu609Val (NM_001353961.2); short protein forms L1423V, L1412V, L1411V, L1394V, L1395V, L609V.
Identifiers: ClinVar variation 408936 (VCV000408936.9), dbSNP rs1060502190, ClinGen allele CA16610151.
Genomic context (GRCh38, chr2:166,002,489, plus strand): 5'-TTCCAAACAATAAAAATATTCAGAGAAAATAGTGTTCACTTACAACTTGAAGCAAAGAGA[G>C]ATACCCAAATCCTACATTATCAAAGTTTACTTTCACATTTTTCCATCGAGCAGTCTCATT-3'
Protein context (NP_001159435.1, residues 1413-1433): VNFDNVGFGY[Leu1423Val]SLLQVATFKG

ClinVar aggregate classification (germline): Pathogenic (1 of 4 stars; one submission).

Conditions:
Early-infantile DEE. Also called: Early infantile epileptic encephalopathy; Early infantile epileptic encephalopathy with suppression bursts; Ohtahara syndrome. Identifiers: Orphanet 1934, MedGen C0393706, MONDO:0800491.

Submission:

Labcorp Genetics (formerly Invitae), Labcorp
Classification: Pathogenic for Early-infantile DEE. Last evaluated: 2022-07-12. Review status: criteria provided, single submitter. Criteria: Invitae Variant Classification Sherloc (09022015). Collection method: clinical testing. Allele origin: germline.
Comment: For these reasons, this variant has been classified as Pathogenic. Algorithms developed to predict the effect of sequence changes on RNA splicing suggest that this variant may disrupt the consensus splice site. Advanced modeling of protein sequence and biophysical properties (such as structural, functional, and spatial information, amino acid conservation, physicochemical variation, residue mobility, and thermodynamic stability) performed at Invitae indicates that this missense variant is expected to disrupt SCN1A protein function. ClinVar contains an entry for this variant (Variation ID: 408936). This missense change has been observed in individual(s) with clinical features of SCN1A-related conditions (Invitae). In at least one individual the variant was observed to be de novo. This variant is not present in population databases (gnomAD no frequency). This sequence change replaces leucine, which is neutral and non-polar, with valine, which is neutral and non-polar, at codon 1423 of the SCN1A protein (p.Leu1423Val).